The following is an entry in ClinVar:

NM_015278.5(SASH1):c.3661G>A (p.Gly1221Ser)

Gene: SASH1 (SAM and SH3 domain containing 1; plus strand). Cytogenetic location: 6q25.1.
Variant type: single nucleotide variant.
Coding change: c.3661G>A on transcript NM_015278.5 (MANE Select); coding-DNA position 3661, G replaced by A.
Protein change: p.Gly1221Ser; replaces glycine 1221 with serine.
Molecular consequence: missense variant.
Genome position (GRCh38, 1-based): chr6:148,548,475, G>A. VCF-style: chr6-148548475-G-A. GRCh37 (hg19) VCF-style: chr6-148869611-G-A.
Other names: c.3526G>A, p.Gly1176Ser (NM_001346505.2); c.3289G>A, p.Gly1097Ser (NM_001346506.2); c.2944G>A, p.Gly982Ser (NM_001346507.2); c.3433G>A, p.Gly1145Ser (NM_001346508.2); c.3310G>A, p.Gly1104Ser (NM_001346509.2); c.3661G>A (NM_015278.3); short protein forms G1097S, G1104S, G1145S, G1176S, G1221S, G982S.
Identifiers: ClinVar variation 1049797 (VCV001049797.3), dbSNP rs757432307, ClinGen allele CA4040938.

ClinVar aggregate classification (germline): Uncertain significance. Review status: criteria provided, single submitter (1 of 4 stars). 2 submissions from 2 submitters: Uncertain significance (1). 1 of the submissions does not count toward it. Last evaluated 2023-04-20.

Conditions:
Inborn genetic diseases. Identifiers: MedGen C0950123, MeSH D030342.

Allele frequency attached by ClinVar (database versions not stated): gnomAD 0.00001; ExAC 0.00002; gnomAD exomes 0.00002; TOPMed 0.00002.

Submissions (2):

Ambry Genetics
Classification: Uncertain significance for Inborn genetic diseases. Last evaluated: 2023-04-20. Review status: criteria provided, single submitter. Criteria: Ambry Variant Classification Scheme 2023. Collection method: clinical testing. Allele origin: germline.

Department of Pathology and Laboratory Medicine, Sinai Health System
Classification: Uncertain significance. Review status: no assertion criteria provided. Collection method: clinical testing. Allele origin: unknown. Affected: yes. Study: The Canadian Open Genetics Repository (COGR). Not counted in ClinVar's aggregate classification.
Comment: The SASH1 p.Gly1176Ser variant was not identified in the literature nor was it identified in ClinVar. The variant was identified in dbSNP (ID: rs757432307) and in control databases in 4 of 251372 chromosomes at a frequency of 0.00001591 (Genome Aggregation Database March 6, 2019, v2.1.1). The variant was observed in the following populations: Ashkenazi Jewish in 1 of 10072 chromosomes (freq: 0.000099), South Asian in 2 of 30614 chromosomes (freq: 0.000065) and European (non-Finnish) in 1 of 113684 chromosomes (freq: 0.000009), but was not observed in the African, Latino, East Asian, European (Finnish), or Other populations. The p.Gly1176 residue is conserved across mammals and other organisms and computational analyses (PolyPhen-2, SIFT, AlignGVGD, BLOSUM, MutationTaster) provide inconsistent predictions regarding the impact to the protein. The variant occurs outside of the splicing consensus sequence and in silico or computational prediction software programs (SpliceSiteFinder, MaxEntScan, NNSPLICE, GeneSplicer) do not predict a difference in splicing. In summary, based on the above information the clinical significance of this variant cannot be determined with certainty at this time. This variant is classified as a variant of uncertain significance.